The following is an entry in ClinVar:

NC_000001.10:g.(?_955543)_(2957600_?)del

Genes: MMEL1 (membrane metalloendopeptidase like 1; minus strand), PRXL2B (peroxiredoxin like 2B; plus strand), PUSL1 (pseudouridine synthase like 1; plus strand), RER1 (retention in endoplasmic reticulum sorting receptor 1; plus strand), TAS1R3 (taste 1 receptor member 3; plus strand) and 54 more. Cytogenetic location: 1p36.33-36.32.
Variant type: Deletion.
Identifiers: ClinVar variation 659614 (VCV000659614.1).

ClinVar aggregate classification (germline): Uncertain significance (1 of 4 stars; one submission).

Conditions:
Shprintzen-Goldberg syndrome (SGS). Also called: Marfanoid disorder with craniosynostosis type 1; Marfanoid craniosynostosis syndrome; Shprintzen-Goldberg marfanoid syndrome; SHPRINTZEN-GOLDBERG CRANIOSYNOSTOSIS SYNDROME; CRANIOSYNOSTOSIS WITH ARACHNODACTYLY AND ABDOMINAL HERNIAS. Identifiers: Orphanet 2462, MedGen C1321551, MONDO:0008426, OMIM 182212.

Submission:

Labcorp Genetics (formerly Invitae), Labcorp
Classification: Uncertain significance for Shprintzen-Goldberg syndrome. Last evaluated: 2018-09-20. Review status: criteria provided, single submitter. Criteria: Invitae Variant Classification Sherloc (09022015). Collection method: clinical testing. Allele origin: germline.
Comment: A gross deletion of the genomic region encompassing the full coding sequence of the SKI gene has been identified. The boundaries of this event are unknown as the deletion extends beyond the assayed region for this gene and therefore may encompass additional genes. Isolated whole-gene deletions of SKI have not been reported in the literature. However, larger copy number events that include this gene have been reported (PMID:Â¬â€ 20635359,Â¬â€ 23892090). The current clinical and genetic evidence is not sufficient to establish whether loss-of-function variants in SKI cause disease. In summary, the available evidence is currently insufficient to determine the role of this variant in disease. Therefore, it has been classified as a Variant of Uncertain Significance.